The following is an entry in ClinVar:

ClinVar aggregate classification (germline): Likely benign (1 of 4 stars; one submission).

gnomAD v4.1: 77 of 1,613,266 alleles (0.0048%); highest among the groups gnomAD compares: Non-Finnish European, 0.0059%; no homozygotes.

Submission:

CeGaT Center for Human Genetics Tuebingen
Classification: Likely benign. Last evaluated: 2026-07-01. Review status: criteria provided, single submitter. Criteria: CeGaT Center For Human Genetics Tuebingen Variant Classification Criteria Version 2. Collection method: clinical testing. Allele origin: germline. Affected: yes. Observed: 1 variant allele.
Comment: SHANK2: BP4, BP7

NM_012309.5(SHANK2):c.3117G>T (p.Pro1039=)

Gene: SHANK2 (SH3 and multiple ankyrin repeat domains 2; minus strand). Cytogenetic location: 11q13.3.
Variant type: single nucleotide variant.
Coding change: c.3117G>T on transcript NM_012309.5 (MANE Select); coding-DNA position 3117, G replaced by T.
Protein change: p.Pro1039=; no amino-acid change (proline 1039 retained).
Molecular consequence: synonymous variant.
Genome position (GRCh38, 1-based): chr11:70,487,176, C>A on the plus strand (G>T on the coding strand, the complement: SHANK2 is on the minus strand). VCF-style: chr11-70487176-C-A. GRCh37 (hg19) VCF-style: chr11-70333281-C-A.
Other names: c.1980G>T, p.Pro660= (NM_001379226.1); c.3237G>T, p.Pro1079= (NM_001441024.1); c.3066G>T, p.Pro1022= (NM_001441025.1, NM_001441026.1, NM_001441027.1 and 8 more transcripts); c.3039G>T, p.Pro1013= (NM_001441035.1, NM_001441036.1, NM_001441037.1); c.2994G>T, p.Pro998= (NM_001441038.1); c.1950G>T, p.Pro650= (NM_001441040.1); c.1902G>T, p.Pro634= (NM_001441041.1); c.1344G>T, p.Pro448= (NM_001441042.1); and 6 more.
Identifiers: ClinVar variation 5039556 (VCV005039556.1).